The following is an entry in ClinVar:

NM_001202.6(BMP4):c.668G>A (p.Arg223His)

Gene: BMP4 (bone morphogenetic protein 4; minus strand). Cytogenetic location: 14q22.2.
Variant type: single nucleotide variant.
Coding change: c.668G>A on transcript NM_001202.6 (MANE Select); coding-DNA position 668, G replaced by A.
Protein change: p.Arg223His; replaces arginine 223 with histidine.
Molecular consequence: missense variant.
Genome position (GRCh38, 1-based): chr14:53,950,591, C>T on the plus strand (G>A on the coding strand, the complement: BMP4 is on the minus strand). VCF-style: chr14-53950591-C-T. GRCh37 (hg19) VCF-style: chr14-54417309-C-T.
Other names: c.809G>A, p.Arg270His (NM_001347912.1); c.479G>A, p.Arg160His (NM_001347913.2, NM_001347915.2, NM_001347917.1); c.668G>A, p.Arg223His (NM_001347914.2, NM_001347916.1, NM_130850.5 and 1 more transcripts); short protein forms R270H, R160H, R223H.
Identifiers: ClinVar variation 1371084 (VCV001371084.8), dbSNP rs766285160, ClinGen allele CA7191697.
Genomic context (GRCh38, chr14:53,950,591, plus strand): 5'-TGATGGAGGTGAGTCACCTCAATGGCTAGCCCATAGTTTGGCTGCTTCTCCCGGGTCCAG[C>T]GAAGGACCGCAGGGCTCACATCAAAAGTTTCCCACCGTGTCACATTGTGGTGGACCAGTC-3'
Protein context (NP_001193.2, residues 213-233): ETFDVSPAVL[Arg223His]WTREKQPNYG

ClinVar aggregate classification (germline): Uncertain significance. Review status: criteria provided, multiple submitters, no conflicts (2 of 4 stars). 2 submissions from 2 submitters: Uncertain significance (2). Last evaluated 2025-11-08.

Conditions:
Orofacial cleft 11 (OFC11). Also called: Orofacial cleft 11; ofc11; CLEFT LIP WITH OR WITHOUT CLEFT PALATE, NONSYNDROMIC, 11. Identifiers: MedGen C2677434, MONDO:0010906, OMIM 600625.
Microphthalmia with brain and digit anomalies (MCOPS6). Also called: MICROPHTHALMIA AND PITUITARY ANOMALIES; Microphthalmia, syndromic 6. Identifiers: Orphanet 139471, MedGen C1864689, MONDO:0011936, OMIM 607932.

Allele frequency attached by ClinVar (database versions not stated): gnomAD exomes 0.00006 and 0.00010; TOPMed 0.00006; ExAC 0.00012; gnomAD 0.00012.

Submissions (2):

Labcorp Genetics (formerly Invitae), Labcorp
Classification: Uncertain significance for Microphthalmia with brain and digit anomalies; Orofacial cleft 11. Last evaluated: 2025-11-08. Review status: criteria provided, single submitter. Criteria: Invitae Variant Classification Sherloc (09022015). Collection method: clinical testing. Allele origin: germline.
Comment: This sequence change replaces arginine, which is basic and polar, with histidine, which is basic and polar, at codon 223 of the BMP4 protein (p.Arg223His). This variant is present in population databases (rs766285160, gnomAD 0.07%), and has an allele count higher than expected for a pathogenic variant. This missense change has been observed in individual(s) with penoscrotal hypospadias, or cleft lip and/or cleft palate (PMID: 17003840, 31063268). ClinVar contains an entry for this variant (Variation ID: 1371084). Invitae Evidence Modeling of protein sequence and biophysical properties (such as structural, functional, and spatial information, amino acid conservation, physicochemical variation, residue mobility, and thermodynamic stability) indicates that this missense variant is not expected to disrupt BMP4 protein function with a negative predictive value of 80%. In summary, the available evidence is currently insufficient to determine the role of this variant in disease. Therefore, it has been classified as a Variant of Uncertain Significance.

Fulgent Genetics
Classification: Uncertain significance for Orofacial cleft 11; Microphthalmia with brain and digit anomalies. Last evaluated: 2024-05-29. Review status: criteria provided, single submitter. Criteria: ACMG Guidelines, 2015. Collection method: clinical testing. Allele origin: germline.

Literature cited by the submitters: PubMed 17003840 (cited by Labcorp Genetics (formerly Invitae), Labcorp); PubMed 31063268 (cited by Labcorp Genetics (formerly Invitae), Labcorp).